The following is an entry in ClinVar:

NM_177550.5(SLC13A5):c.1362G>C (p.Leu454Phe)

Gene: SLC13A5 (solute carrier family 13 member 5; minus strand). Cytogenetic location: 17p13.1.
Variant type: single nucleotide variant.
Coding change: c.1362G>C on transcript NM_177550.5 (MANE Select); coding-DNA position 1362, G replaced by C.
Protein change: p.Leu454Phe; replaces leucine 454 with phenylalanine.
Molecular consequence: missense variant.
Genome position (GRCh38, 1-based): chr17:6,690,854, C>G on the plus strand (G>C on the coding strand, the complement: SLC13A5 is on the minus strand). VCF-style: chr17-6690854-C-G. GRCh37 (hg19) VCF-style: chr17-6594173-C-G.
Other names: c.1362G>C, p.Leu454Phe (NM_001143838.3); c.1311G>C, p.Leu437Phe (NM_001284509.2); c.1233G>C, p.Leu411Phe (NM_001284510.2); short protein forms L437F, L411F, L454F.
Identifiers: ClinVar variation 1374122 (VCV001374122.5), dbSNP rs778880558, ClinGen allele CA8331408.

ClinVar aggregate classification (germline): Uncertain significance (1 of 4 stars; one submission).

Conditions:
Developmental and epileptic encephalopathy, 25 (DEE25). Also called: Developmental and epileptic encephalopathy 25, with amelogenesis imperfecta; Epileptic encephalopathy, early infantile, 25, with amelogenesis imperfecta; Epileptic encephalopathy, early infantile, 25. Identifiers: Orphanet 442835, MedGen C4014621, MONDO:0014392, OMIM 615905.

Allele frequency attached by ClinVar (database versions not stated): gnomAD exomes below 0.00001; TOPMed 0.00001; ExAC 0.00001.
gnomAD v4.1: 7 of 1,614,224 alleles (0.00043%); highest among the groups gnomAD compares: Non-Finnish European, 0.00059%; no homozygotes.

Submission:

Labcorp Genetics (formerly Invitae), Labcorp
Classification: Uncertain significance for Developmental and epileptic encephalopathy, 25. Last evaluated: 2021-09-01. Review status: criteria provided, single submitter. Criteria: Invitae Variant Classification Sherloc (09022015). Collection method: clinical testing. Allele origin: germline.
Comment: This sequence change replaces leucine with phenylalanine at codon 454 of the SLC13A5 protein (p.Leu454Phe). The leucine residue is moderately conserved and there is a small physicochemical difference between leucine and phenylalanine. The frequency data for this variant in the population databases is considered unreliable, as metrics indicate poor data quality at this position in the ExAC database. This variant has not been reported in the literature in individuals affected with SLC13A5-related conditions. Algorithms developed to predict the effect of missense changes on protein structure and function (SIFT, PolyPhen-2, Align-GVGD) all suggest that this variant is likely to be tolerated. In summary, the available evidence is currently insufficient to determine the role of this variant in disease. Therefore, it has been classified as a Variant of Uncertain Significance.